The following is an entry in ClinVar:

NM_003743.5(NCOA1):c.772G>A (p.Gly258Ser)

Gene: NCOA1 (nuclear receptor coactivator 1; plus strand). Cytogenetic location: 2p23.3.
Variant type: single nucleotide variant.
Coding change: c.772G>A on transcript NM_003743.5 (MANE Select); coding-DNA position 772, G replaced by A.
Protein change: p.Gly258Ser; replaces glycine 258 with serine.
Molecular consequence: missense variant.
Genome position (GRCh38, 1-based): chr2:24,693,311, G>A. VCF-style: chr2-24693311-G-A. GRCh37 (hg19) VCF-style: chr2-24916180-G-A.
Other names: c.772G>A, p.Gly258Ser (NM_001362950.1, NM_001362952.1, NM_001362954.1 and 3 more transcripts); short protein forms G258S.
Identifiers: ClinVar variation 4117800 (VCV004117800.2).

ClinVar aggregate classification (germline): Uncertain significance. Review status: criteria provided, multiple submitters, no conflicts (2 of 4 stars). 2 submissions from 2 submitters: Uncertain significance (2). Last evaluated 2025-08-24.

Conditions:
NCOA1-related disorder. Also called: NCOA1-related condition.

gnomAD v4.1: 1 of 1,614,086 alleles (0.000062%); highest among the groups gnomAD compares: African/African-American, 0.0013%; no homozygotes.

Submissions (2):

Ambry Genetics
Classification: Uncertain significance. Last evaluated: 2025-08-24. Review status: criteria provided, single submitter. Criteria: Ambry Variant Classification Scheme 2023. Collection method: clinical testing. Allele origin: germline.

PreventionGenetics, part of Exact Sciences
Classification: Uncertain significance for NCOA1-related condition. Last evaluated: 2025-07-16. Review status: criteria provided, single submitter. Criteria: ACMG Guidelines, 2015. Collection method: clinical testing. Allele origin: germline.
Comment: The NCOA1 c.772G>A variant is predicted to result in the amino acid substitution p.Gly258Ser. To our knowledge, this variant has not been reported in the literature or in a large population database (gnomAD), indicating this variant is rare. At this time, the clinical significance of this variant is uncertain due to the absence of conclusive functional and genetic evidence.